The following is an entry in ClinVar:

ClinVar aggregate classification (germline): Likely benign (1 of 4 stars; one submission).

Submission:

CeGaT Center for Human Genetics Tuebingen
Classification: Likely benign. Last evaluated: 2023-03-01. Review status: criteria provided, single submitter. Criteria: CeGaT Center For Human Genetics Tuebingen Variant Classification Criteria Version 2. Collection method: clinical testing. Allele origin: germline. Affected: yes. Observed: 1 variant allele.
Comment: IRF2BPL: BS1

NM_024496.4(IRF2BPL):c.372_377del (p.Gln126_Gln127del)

Gene: IRF2BPL (interferon regulatory factor 2 binding protein like; minus strand). Cytogenetic location: 14q24.3.
Variant type: Deletion.
Coding change: c.372_377del on transcript NM_024496.4 (MANE Select); coding-DNA positions 372 to 377, 6 bases deleted (GCAACA; older notation c.372_377delGCAACA).
Protein change: p.Gln126_Gln127del.
Molecular consequence: inframe deletion.
Genome position (GRCh38, 1-based): chr14:77,027,416-77,027,421, TGTTGC deleted on the plus strand (GCAACA on the coding strand, the reverse complement: IRF2BPL is on the minus strand); deleting any 6 consecutive bases within chr14:77,027,416-77,027,423 gives the same sequence; the c. name uses the placement nearest the transcript's 3' end. VCF-style (leftmost placement, unchanged base first): chr14-77027415-TTGTTGC-T. GRCh37 (hg19) VCF-style: chr14-77493758-TTGTTGC-T.
Identifiers: ClinVar variation 2644407 (VCV002644407.24), dbSNP rs1439126504, ClinGen allele CA615492098.